The following is an entry in ClinVar:

NM_144997.7(FLCN):c.1307C>A (p.Ala436Asp)

Gene: FLCN (folliculin; minus strand). Cytogenetic location: 17p11.2.
Variant type: single nucleotide variant.
Coding change: c.1307C>A on transcript NM_144997.7 (MANE Select); coding-DNA position 1307, C replaced by A.
Protein change: p.Ala436Asp; replaces alanine 436 with aspartic acid.
Molecular consequence: missense variant.
Genome position (GRCh38, 1-based): chr17:17,215,310, G>T on the plus strand (C>A on the coding strand, the complement: FLCN is on the minus strand). VCF-style: chr17-17215310-G-T. GRCh37 (hg19) VCF-style: chr17-17118624-G-T.
Other names: c.1361C>A, p.Ala454Asp (NM_001353229.2); c.1307C>A, p.Ala436Asp (NM_001353230.2, NM_001353231.2); short protein forms A436D, A454D.
Identifiers: ClinVar variation 3515670 (VCV003515670.1).

ClinVar aggregate classification (germline): Uncertain significance (1 of 4 stars; one submission).

Conditions:
Hereditary cancer-predisposing syndrome. Also called: Tumor predisposition; Neoplastic Syndromes, Hereditary; Hereditary Cancer Syndrome; Hereditary neoplastic syndrome. Identifiers: Orphanet 140162, MedGen C0027672, MeSH D009386, MONDO:0015356.

Submission:

Ambry Genetics
Classification: Uncertain significance for Hereditary cancer-predisposing syndrome. Last evaluated: 2024-11-17. Review status: criteria provided, single submitter. Criteria: Ambry Variant Classification Scheme 2023. Collection method: clinical testing. Allele origin: germline.
Comment: The p.A436D variant (also known as c.1307C>A), located in coding exon 9 of the FLCN gene, results from a C to A substitution at nucleotide position 1307. The alanine at codon 436 is replaced by aspartic acid, an amino acid with dissimilar properties. This amino acid position is conserved. In addition, this alteration is predicted to be deleterious by in silico analysis. Based on the available evidence, the clinical significance of this variant remains unclear.